The following is an entry in ClinVar:

NM_017514.5(PLXNA3):c.2145C>T (p.Gly715=)

Gene: PLXNA3 (plexin A3; plus strand). Cytogenetic location: Xq28.
Variant type: single nucleotide variant.
Coding change: c.2145C>T on transcript NM_017514.5 (MANE Select); coding-DNA position 2145, C replaced by T.
Protein change: p.Gly715=; no amino-acid change (glycine 715 retained).
Molecular consequence: synonymous variant.
Genome position (GRCh38, 1-based): chrX:154,465,119, C>T. VCF-style: chrX-154465119-C-T. GRCh37 (hg19) VCF-style: chrX-153693462-C-T.
Identifiers: ClinVar variation 3061460 (VCV003061460.2), dbSNP rs782676452, ClinGen allele CA10564286.
Genomic context (GRCh38, chrX:154,465,119, plus strand): 5'-CGTTGGGGTCATGCAGCCTCTTACCTTGCGGGCTAAGAACCTACCTCAGCCGCAGTCGGG[C>T]CAGAAGAACTATGAGTGCGTGGTGCGGGTGCAGGGGCGGCAGCAGCGGGTGCCTGCCGTG-3'
Protein context (NP_059984.3, residues 705-725): RAKNLPQPQS[Gly715=]QKNYECVVRV

ClinVar aggregate classification (germline): Likely benign (0 of 4 stars; one submission).

Conditions:
PLXNA3-related disorder. Also called: PLXNA3-related condition.

Allele frequency attached by ClinVar (database versions not stated): ExAC 0.00001; TOPMed 0.00001; gnomAD 0.00004.
gnomAD v4.1: 7 of 1,209,009 alleles (0.00058%); highest among the groups gnomAD compares: African/African-American, 0.012%; no homozygotes.

Submission:

PreventionGenetics, part of Exact Sciences
Classification: Likely benign for PLXNA3-related condition. Last evaluated: 2023-09-06. Review status: no assertion criteria provided. Collection method: clinical testing. Allele origin: germline.
Comment: This variant is classified as likely benign based on ACMG/AMP sequence variant interpretation guidelines (Richards et al. 2015 PMID: 25741868, with internal and published modifications).